The following is an entry in ClinVar:

NM_001291303.3(FAT4):c.4365A>G (p.Leu1455=)

Gene: FAT4 (FAT atypical cadherin 4; plus strand). Cytogenetic location: 4q28.1.
Variant type: single nucleotide variant.
Coding change: c.4365A>G on transcript NM_001291303.3 (MANE Select); coding-DNA position 4365, A replaced by G.
Protein change: p.Leu1455=; no amino-acid change (leucine 1455 retained).
Molecular consequence: synonymous variant.
Genome position (GRCh38, 1-based): chr4:125,320,776, A>G. VCF-style: chr4-125320776-A-G. GRCh37 (hg19) VCF-style: chr4-126241931-A-G.
Other names: c.4365A>G (NM_024582.4); c.4365A>G, p.Leu1455= (NM_001291285.3, NM_024582.6).
Identifiers: ClinVar variation 1620754 (VCV001620754.10), dbSNP rs757401187, ClinGen allele CA3072454.
Genomic context (GRCh38, chr4:125,320,776, plus strand): 5'-CGGTACATCTGTCATTTCAGTGACTGCACATGACCCTGATGCAGACATTAATGGTCAACT[A>G]TCCTACACAATCATTCAACAGATGCCAAGAGGCAACCACTTTACCATAGATGAAGTCAAA-3'
Protein context (NP_001278232.1, residues 1445-1465): HDPDADINGQ[Leu1455=]SYTIIQQMPR

ClinVar aggregate classification (germline): Likely benign. Review status: criteria provided, single submitter (1 of 4 stars). 2 submissions from 2 submitters: Likely benign (1). 1 of the submissions does not count toward it. Last evaluated 2025-12-14.

Conditions:
FAT4-related disorder. Also called: FAT4-related condition.

Allele frequency attached by ClinVar (database versions not stated): TOPMed below 0.00001; ExAC 0.00001; gnomAD 0.00001; gnomAD exomes 0.00001.
gnomAD v4.1: 3 of 1,614,018 alleles (0.00019%); highest among the groups gnomAD compares: East Asian, 0.0067%; no homozygotes.

Submissions (2):

Labcorp Genetics (formerly Invitae), Labcorp
Classification: Likely benign. Last evaluated: 2025-12-14. Review status: criteria provided, single submitter. Criteria: Invitae Variant Classification Sherloc (09022015). Collection method: clinical testing. Allele origin: germline.

PreventionGenetics, part of Exact Sciences
Classification: Likely benign for FAT4-related condition. Last evaluated: 2023-02-08. Review status: no assertion criteria provided. Collection method: clinical testing. Allele origin: germline. Not counted in ClinVar's aggregate classification.
Comment: This variant is classified as likely benign based on ACMG/AMP sequence variant interpretation guidelines (Richards et al. 2015 PMID: 25741868, with internal and published modifications).